The following is an entry in ClinVar:

NM_000939.4(POMC):c.138C>T (p.Cys46=)

Genes: POMC (proopiomelanocortin; minus strand), LOC129933280 (ATAC-STARR-seq lymphoblastoid silent region 11244; plus strand). Cytogenetic location: 2p23.3.
Variant type: single nucleotide variant.
Coding change: c.138C>T on transcript NM_000939.4 (MANE Select); coding-DNA position 138, C replaced by T.
Protein change: p.Cys46=; no amino-acid change (cysteine 46 retained).
Molecular consequence: synonymous variant.
Genome position (GRCh38, 1-based): chr2:25,161,747, G>A on the plus strand (C>T on the coding strand, the complement: POMC is on the minus strand). VCF-style: chr2-25161747-G-A. GRCh37 (hg19) VCF-style: chr2-25384616-G-A.
Other names: c.138C>T, p.Cys46= (NM_001035256.3, NM_001319204.2, NM_001319205.2).
Identifiers: ClinVar variation 3051127 (VCV003051127.2), dbSNP rs1461001186, ClinGen allele CA425180329.

ClinVar aggregate classification (germline): Likely benign (0 of 4 stars; one submission).

Conditions:
POMC-related disorder. Also called: POMC-related disorders; POMC-related condition.

Allele frequency attached by ClinVar (database versions not stated): gnomAD exomes 0.00001; gnomAD 0.00002; TOPMed 0.00003.
gnomAD v4.1: 13 of 1,592,854 alleles (0.00082%); highest among the groups gnomAD compares: African/African-American, 0.0013%; no homozygotes.

Submission:

PreventionGenetics, part of Exact Sciences
Classification: Likely benign for POMC-related condition. Last evaluated: 2020-02-07. Review status: no assertion criteria provided. Collection method: clinical testing. Allele origin: germline.
Comment: This variant is classified as likely benign based on ACMG/AMP sequence variant interpretation guidelines (Richards et al. 2015 PMID: 25741868, with internal and published modifications).